The following is an entry in ClinVar:

GRCh37/hg19 11q12.3(chr11:62601117-62619571)x3

Genes: SNHG1 (small nucleolar RNA host gene 1; minus strand), WDR74 (WD repeat domain 74; minus strand). Cytogenetic location: 11q12.3.
Variant type: copy number gain.
Change: copy number 3 (three copies instead of two) of chr11:62,601,117-62,619,571 (18.5 kb, GRCh37 coordinates, 1-based), cytogenetic band 11q12.3.
Identifiers: ClinVar variation 395048 (VCV000395048.3).

ClinVar aggregate classification (germline): conflicting data from submitters (0 of 4 stars; one submission).

Submission:

ISCA Site 6
Classification: conflicting data from submitters. Review status: no assertion criteria provided. Collection method: clinical testing. Allele origin: unknown. Affected: yes. Observed: 4 variant alleles. Clinical features observed: Developmental delay AND/OR other significant developmental or morphological phenotypes.
Comment: Uncertain significance(1), Likely benign (3)

Copy number variation identified through the course of routine clinical cytogenomic testing in postnatal populations, with clinical assertions as classified by the original submitter. For data from the original published study, Kaminsky, et al. 2011 (PubMed 21844811), please see nstd101.